The following is an entry in ClinVar:

NM_000264.5(PTCH1):c.454A>G (p.Met152Val)

Gene: PTCH1 (patched 1; minus strand). Cytogenetic location: 9q22.32.
Variant type: single nucleotide variant.
Coding change: c.454A>G on transcript NM_000264.5 (MANE Select); coding-DNA position 454, A replaced by G.
Protein change: p.Met152Val; replaces methionine 152 with valine.
Molecular consequence: missense variant. On other transcripts: non-coding transcript variant (1), initiator codon variant (4).
Genome position (GRCh38, 1-based): chr9:95,485,815, T>C on the plus strand (A>G on the coding strand, the complement: PTCH1 is on the minus strand). VCF-style: chr9-95485815-T-C. GRCh37 (hg19) VCF-style: chr9-98248097-T-C.
Other names: c.454A>G (NM_000264.3); c.454A>G, p.Met152Val (NM_001354918.2); c.256A>G, p.Met86Val (NM_001354919.2, NM_001083602.3); c.451A>G, p.Met151Val (NM_001083603.3); c.1A>G, p.Met1Val (NM_001083604.3, NM_001083605.3, NM_001083606.3 and 1 more transcripts); short protein forms M151V, M152V, M1V, M86V.
Identifiers: ClinVar variation 981837 (VCV000981837.10), dbSNP rs766905791, ClinGen allele CA5138936.

ClinVar aggregate classification (germline): Conflicting classifications of pathogenicity. Review status: criteria provided, conflicting classifications (1 of 4 stars). 4 submissions from 4 submitters: Pathogenic (1); Uncertain significance (2); Benign (1). Last evaluated 2025-12-29.

Conditions:
Hereditary breast ovarian cancer syndrome. Also called: Hereditary breast and ovarian cancer syndrome; Hereditary breast and ovarian cancer; Hereditary breast and ovarian cancer syndrome (HBOC); Hereditary breast and/or ovarian cancer syndrome; Breast and ovarian cancer; BRCA1- and BRCA2-Associated Hereditary Breast and Ovarian Cancer. Identifiers: Orphanet 145, MedGen C0677776, MeSH D061325, MONDO:0003582. Disease mechanism: loss of function.
Gorlin syndrome. Also called: Basal cell nevus syndrome; Nevoid Basal Cell Carcinoma Syndrome. Identifiers: Orphanet 377, MedGen C0004779, MONDO:0007187.
Hereditary cancer-predisposing syndrome. Also called: Tumor predisposition; Hereditary Cancer Syndrome; Neoplastic Syndromes, Hereditary; Hereditary neoplastic syndrome. Identifiers: Orphanet 140162, MedGen C0027672, MeSH D009386, MONDO:0015356.

Allele frequency attached by ClinVar (database versions not stated): gnomAD exomes below 0.00001 and 0.00001; ExAC 0.00002.

Submissions (4):

Center for Genomic Medicine, Rigshospitalet, Copenhagen University Hospital
Classification: Uncertain significance. Last evaluated: 2025-12-29. Review status: criteria provided, single submitter. Criteria: ACMG Guidelines, 2015. Collection method: clinical testing. Allele origin: germline.

Labcorp Genetics (formerly Invitae), Labcorp
Classification: Benign for Gorlin syndrome. Last evaluated: 2025-10-20. Review status: criteria provided, single submitter. Criteria: Invitae Variant Classification Sherloc (09022015). Collection method: clinical testing. Allele origin: germline.

Ambry Genetics
Classification: Uncertain significance for Hereditary cancer-predisposing syndrome. Last evaluated: 2023-12-13. Review status: criteria provided, single submitter. Criteria: Ambry Variant Classification Scheme 2023. Collection method: clinical testing. Allele origin: germline.
Comment: The p.M152V variant (also known as c.454A>G), located in coding exon 3 of the PTCH1 gene, results from an A to G substitution at nucleotide position 454. The methionine at codon 152 is replaced by valine, an amino acid with highly similar properties. This amino acid position is well conserved in available vertebrate species. In addition, this alteration is predicted to be deleterious by in silico analysis. Since supporting evidence is limited at this time, the clinical significance of this alteration remains unclear.

Molecular Oncology Research Center, Barretos Cancer Hospital
Classification: Pathogenic for Hereditary breast ovarian cancer syndrome. Last evaluated: 2020-08-01. Review status: criteria provided, single submitter. Criteria: ACMG Guidelines, 2015. Collection method: research. Allele origin: germline. Affected: yes. Observed: 1 variant allele.